The following is an entry in ClinVar:

ClinVar aggregate classification (germline): Pathogenic (1 of 4 stars; one submission).

Conditions:
Hereditary cancer-predisposing syndrome. Also called: Hereditary Cancer Syndrome; Hereditary neoplastic syndrome; Neoplastic Syndromes, Hereditary; Tumor predisposition. Identifiers: Orphanet 140162, MedGen C0027672, MeSH D009386, MONDO:0015356.

Submission:

Ambry Genetics
Classification: Pathogenic for Hereditary cancer-predisposing syndrome. Last evaluated: 2017-11-02. Review status: criteria provided, single submitter. Criteria: Ambry Variant Classification Scheme 2023. Collection method: clinical testing. Allele origin: germline.
Comment: The c.4364delT pathogenic mutation, located in coding exon 12 of the BRCA1 gene, results from a deletion of one nucleotide at nucleotide position 4364, causing a translational frameshift with a predicted alternate stop codon (p.L1455*). This alteration is expected to result in loss of function by premature protein truncation or nonsense-mediated mRNA decay. As such, this alteration is interpreted as a disease-causing mutation.

NM_007294.4(BRCA1):c.4364del (p.Val1454_Leu1455insTer)

Gene: BRCA1 (BRCA1 DNA repair associated; minus strand). Cytogenetic location: 17q21.31.
Variant type: Deletion.
Coding change: c.4364del on transcript NM_007294.4 (MANE Select); coding-DNA position 4364, one base deleted (T; older notation c.4364delT).
Protein change: p.Val1454_Leu1455insTer.
Molecular consequence: nonsense. On other transcripts: frameshift variant (363), non-coding transcript variant (1).
Genome position (GRCh38, 1-based): chr17:43,076,608, A deleted on the plus strand (T on the coding strand, the reverse complement: BRCA1 is on the minus strand); the first of 2 consecutive A bases (chr17:43,076,608-43,076,609); deleting either gives the same sequence. VCF-style (leftmost placement, unchanged base first): chr17-43076607-TA-T. GRCh37 (hg19) VCF-style: chr17-41228624-TA-T.
Other names: c.4364delT (NM_007294.3); c.4234delT, p.Leu1412Terfs (NM_001407686.1, NM_001407687.1, NM_001407688.1 and 6 more transcripts); c.4231delT, p.Leu1411Terfs (NM_001407690.1, NM_001407691.1); c.4222delT, p.Leu1408Terfs (NM_001407692.1, NM_001407694.1, NM_001407695.1 and 12 more transcripts); c.4153delT, p.Leu1385Terfs (NM_001407881.1, NM_001407882.1, NM_001407884.1 and 5 more transcripts); c.4150delT, p.Leu1384Terfs (NM_001407894.1, NM_001407895.1, NM_001407896.1 and 12 more transcripts); c.4147delT, p.Leu1383Terfs (NM_001407915.1, NM_001407916.1, NM_001407917.1 and 1 more transcripts); c.4240delT, p.Leu1414Terfs (NM_001407919.1, NM_001407937.1, NM_001407938.1 and 6 more transcripts); and 72 more.
Identifiers: ClinVar variation 1740043 (VCV001740043.2), dbSNP rs2551693911, ClinGen allele CA2580094446.